The following is an entry in ClinVar:

ClinVar aggregate classification (germline): Uncertain significance. Review status: criteria provided, multiple submitters, no conflicts (2 of 4 stars). 3 submissions from 3 submitters: Uncertain significance (3). Last evaluated 2024-12-20.

Conditions:
MCM2-related disorder. Also called: MCM2-related condition.

Submissions (3):

PreventionGenetics, part of Exact Sciences
Classification: Uncertain significance for MCM2-related condition. Last evaluated: 2024-12-20. Review status: criteria provided, single submitter. Criteria: ACMG Guidelines, 2015. Collection method: clinical testing. Allele origin: germline.
Comment: The MCM2 c.2561A>G variant is predicted to result in the amino acid substitution p.Gln854Arg. To our knowledge, this variant has not been reported in the literature. This variant is reported in 0.0029% of alleles in individuals of Latino descent in gnomAD. At this time, the clinical significance of this variant is uncertain due to the absence of conclusive functional and genetic evidence.

Ambry Genetics
Classification: Uncertain significance. Last evaluated: 2024-11-23. Review status: criteria provided, single submitter. Criteria: Ambry Variant Classification Scheme 2023. Collection method: clinical testing. Allele origin: germline.

Labcorp Genetics (formerly Invitae), Labcorp
Classification: Uncertain significance. Last evaluated: 2024-07-27. Review status: criteria provided, single submitter. Criteria: Invitae Variant Classification Sherloc (09022015). Collection method: clinical testing. Allele origin: germline.
Comment: This sequence change replaces glutamine, which is neutral and polar, with arginine, which is basic and polar, at codon 854 of the MCM2 protein (p.Gln854Arg). This variant is not present in population databases (gnomAD no frequency). This variant has not been reported in the literature in individuals affected with MCM2-related conditions. Advanced modeling of protein sequence and biophysical properties (such as structural, functional, and spatial information, amino acid conservation, physicochemical variation, residue mobility, and thermodynamic stability) performed at Invitae indicates that this missense variant is not expected to disrupt MCM2 protein function with a negative predictive value of 80%. In summary, the available evidence is currently insufficient to determine the role of this variant in disease. Therefore, it has been classified as a Variant of Uncertain Significance.

NM_004526.4(MCM2):c.2561A>G (p.Gln854Arg)

Genes: MCM2 (minichromosome maintenance complex component 2; plus strand), LOC107986126 (uncharacterized LOC107986126; minus strand). Cytogenetic location: 3q21.3.
Variant type: single nucleotide variant.
Coding change: c.2561A>G on transcript NM_004526.4 (MANE Select); coding-DNA position 2561, A replaced by G.
Protein change: p.Gln854Arg; replaces glutamine 854 with arginine.
Molecular consequence: missense variant. On other transcripts: non-coding transcript variant (1).
Genome position (GRCh38, 1-based): chr3:127,621,185, A>G. VCF-style: chr3-127621185-A-G. GRCh37 (hg19) VCF-style: chr3-127340028-A-G.
Other names: c.2561A>G (NM_004526.3); short protein forms Q854R.
Identifiers: ClinVar variation 3544178 (VCV003544178.4).